The following is an entry in ClinVar:

ClinVar aggregate classification (germline): Uncertain significance (1 of 4 stars; one submission).

Submission:

GeneDx
Classification: Uncertain significance. Last evaluated: 2019-09-17. Review status: criteria provided, single submitter. Criteria: GeneDx Variant Classification Process June 2021. Collection method: clinical testing. Allele origin: germline. Affected: yes.
Comment: Not observed in large population cohorts (Lek et al., 2016); Nonsense variant predicted to result in protein truncation or nonsense mediated decay in a gene for which loss-of-function is not a known mechanism of disease; Has not been previously published as pathogenic or benign to our knowledge

NM_015915.5(ATL1):c.533T>G (p.Leu178Ter)

Gene: ATL1 (atlastin GTPase 1; plus strand). Cytogenetic location: 14q22.1.
Variant type: single nucleotide variant.
Coding change: c.533T>G on transcript NM_015915.5 (MANE Select); coding-DNA position 533, T replaced by G.
Protein change: p.Leu178Ter; replaces leucine 178 with a stop codon.
Molecular consequence: nonsense.
Genome position (GRCh38, 1-based): chr14:50,593,856, T>G. VCF-style: chr14-50593856-T-G. GRCh37 (hg19) VCF-style: chr14-51060574-T-G.
Other names: c.533T>G, p.Leu178Ter (NM_001127713.1, NM_181598.4); short protein forms L178*.
Identifiers: ClinVar variation 1312246 (VCV001312246.2), dbSNP rs2140208086, ClinGen allele CA389668070.